The following is an entry in ClinVar:

NM_001099922.3(ALG13):c.1029T>C (p.Ser343=)

Gene: ALG13 (ALG13 UDP-N-acetylglucosaminyltransferase subunit; plus strand). Cytogenetic location: Xq23.
Variant type: single nucleotide variant.
Coding change: c.1029T>C on transcript NM_001099922.3 (MANE Select); coding-DNA position 1029, T replaced by C.
Protein change: p.Ser343=; no amino-acid change (serine 343 retained).
Molecular consequence: synonymous variant. On other transcripts: non-coding transcript variant (1).
Genome position (GRCh38, 1-based): chrX:111,717,869, T>C. VCF-style: chrX-111717869-T-C. GRCh37 (hg19) VCF-style: chrX-110961097-T-C.
Other names: c.717T>C, p.Ser239= (NM_001257230.2, NM_001257234.2, NM_001257237.2 and 1 more transcripts); c.795T>C, p.Ser265= (NM_001257231.2); c.1029T>C, p.Ser343= (NM_001324292.2).
Identifiers: ClinVar variation 540341 (VCV000540341.13), dbSNP rs772765360, ClinGen allele CA10493652.

ClinVar aggregate classification (germline): Conflicting classifications of pathogenicity. Review status: criteria provided, conflicting classifications (1 of 4 stars). 3 submissions from 3 submitters: Uncertain significance (1); Likely benign (2). Last evaluated 2025-05-05.

Conditions:
Developmental and epileptic encephalopathy, 36 (DEE36). Also called: Epileptic encephalopathy, early infantile, 36; ALG13-CDG; Congenital disorder of glycosylation, type Is. Identifiers: Orphanet 324422, MedGen C4317295, MONDO:0010472, OMIM 300884.

Allele frequency attached by ClinVar (database versions not stated): TOPMed below 0.00001; ExAC 0.00001; gnomAD 0.00001; gnomAD exomes 0.00001 and 0.00002.
gnomAD v4.1: 28 of 1,202,381 alleles (0.0023%); highest among the groups gnomAD compares: East Asian, 0.003%; no homozygotes.

Submissions (3):

Labcorp Genetics (formerly Invitae), Labcorp
Classification: Likely benign for Developmental and epileptic encephalopathy, 36. Last evaluated: 2025-05-05. Review status: criteria provided, single submitter. Criteria: Invitae Variant Classification Sherloc (09022015). Collection method: clinical testing. Allele origin: germline.

GeneDx
Classification: Uncertain significance. Last evaluated: 2024-07-02. Review status: criteria provided, single submitter. Criteria: GeneDx Variant Classification Process June 2021. Collection method: clinical testing. Allele origin: germline. Affected: yes.
Comment: In silico analysis indicates that this variant does not alter splicing; Has not been previously published as pathogenic or benign to our knowledge

Blueprint Genetics
Classification: Likely benign. Last evaluated: 2023-11-10. Review status: criteria provided, single submitter. Criteria: ACMG Guidelines, 2015. Collection method: clinical testing. Allele origin: germline.